The following is an entry in ClinVar:

NM_001792.5(CDH2):c.2358_2362dup (p.Ser788delinsThrTer)

Genes: CDH2 (cadherin 2; minus strand), CDH2-AS1 (CDH2 antisense RNA 1; plus strand). Cytogenetic location: 18q12.1.
Variant type: Duplication.
Coding change: c.2358_2362dup on transcript NM_001792.5 (MANE Select); coding-DNA positions 2358 to 2362, 5 bases duplicated (CTTGA; older notation c.2358_2362dupCTTGA).
Protein change: p.Ser788delinsThrTer.
Molecular consequence: nonsense.
Genome position (GRCh38, 1-based): chr18:27,963,509-27,963,513, TCAAG duplicated on the plus strand (CTTGA on the coding strand, the reverse complement: CDH2 is on the minus strand); duplicating any 5 consecutive bases within chr18:27,963,509-27,963,516 gives the same sequence; the c. name uses the placement nearest the transcript's 3' end. VCF-style (leftmost placement, unchanged base first): chr18-27963508-C-CTCAAG. GRCh37 (hg19) VCF-style: chr18-25543472-C-CTCAAG.
Other names: c.2265_2269dup, p.Ser757delinsThrTer (NM_001308176.2).
Identifiers: ClinVar variation 3363835 (VCV003363835.2).

ClinVar aggregate classification (germline): Uncertain significance. Review status: criteria provided, multiple submitters, no conflicts (2 of 4 stars). 2 submissions from 2 submitters: Uncertain significance (2). Last evaluated 2025-07-20.

Submissions (2):

Labcorp Genetics (formerly Invitae), Labcorp
Classification: Uncertain significance. Last evaluated: 2025-07-20. Review status: criteria provided, single submitter. Criteria: Invitae Variant Classification Sherloc (09022015). Collection method: clinical testing. Allele origin: germline.
Comment: This sequence change creates a premature translational stop signal (p.Ser788delinsThr*) in the CDH2 gene. It is expected to result in an absent or disrupted protein product. However, the current clinical and genetic evidence is not sufficient to establish whether loss-of-function variants in CDH2 cause disease. This variant is not present in population databases (gnomAD no frequency). This variant has not been reported in the literature in individuals affected with CDH2-related conditions. ClinVar contains an entry for this variant (Variation ID: 3363835). In summary, the available evidence is currently insufficient to determine the role of this variant in disease. Therefore, it has been classified as a Variant of Uncertain Significance.

GeneDx
Classification: Uncertain significance. Last evaluated: 2023-11-02. Review status: criteria provided, single submitter. Criteria: GeneDx Variant Classification Process June 2021. Collection method: clinical testing. Allele origin: germline. Affected: yes.
Comment: Not observed at significant frequency in large population cohorts (gnomAD); Frameshift variant predicted to result in protein truncation or nonsense mediated decay in a gene or region of a gene for which loss of function is not a well-established mechanism of disease; Has not been previously published as pathogenic or benign to our knowledge